The following is an entry in ClinVar:

NM_000057.4(BLM):c.4031G>C (p.Arg1344Thr)

Gene: BLM (BLM RecQ like helicase; plus strand). Cytogenetic location: 15q26.1.
Variant type: single nucleotide variant.
Coding change: c.4031G>C on transcript NM_000057.4 (MANE Select); coding-DNA position 4031, G replaced by C.
Protein change: p.Arg1344Thr; replaces arginine 1344 with threonine.
Molecular consequence: missense variant.
Genome position (GRCh38, 1-based): chr15:90,811,361, G>C. VCF-style: chr15-90811361-G-C. GRCh37 (hg19) VCF-style: chr15-91354591-G-C.
Other names: c.4031G>C, p.Arg1344Thr (NM_001287246.2); c.3638G>C, p.Arg1213Thr (NM_001287247.2); c.2906G>C, p.Arg969Thr (NM_001287248.2); short protein forms R1213T, R1344T, R969T.
Identifiers: ClinVar variation 4622862 (VCV004622862.1).

ClinVar aggregate classification (germline): Uncertain significance (1 of 4 stars; one submission).

Conditions:
Hereditary cancer-predisposing syndrome. Also called: Neoplastic Syndromes, Hereditary; Tumor predisposition; Hereditary Cancer Syndrome; Hereditary neoplastic syndrome. Identifiers: Orphanet 140162, MedGen C0027672, MeSH D009386, MONDO:0015356.

Submission:

Ambry Genetics
Classification: Uncertain significance for Hereditary cancer-predisposing syndrome. Last evaluated: 2025-11-24. Review status: criteria provided, single submitter. Criteria: Ambry Variant Classification Scheme 2023. Collection method: clinical testing. Allele origin: germline.
Comment: The p.R1344T variant (also known as c.4031G>C), located in coding exon 20 of the BLM gene, results from a G to C substitution at nucleotide position 4031. The arginine at codon 1344 is replaced by threonine, an amino acid with similar properties. This amino acid position is conserved. In addition, this alteration is predicted to be tolerated by in silico analysis. Based on the available evidence, the clinical significance of this variant remains unclear.